The following is an entry in ClinVar:

ClinVar aggregate classification (germline): Likely pathogenic (1 of 4 stars; one submission).

Conditions:
Multiple congenital anomalies-hypotonia-seizures syndrome 1 (MCAHS1). Also called: Congenital disorder of glycosylation due to PIGN deficiency; PIGN-CDG; GLYCOSYLPHOSPHATIDYLINOSITOL BIOSYNTHESIS DEFECT 3. Identifiers: Orphanet 280633, MedGen C3279775, MONDO:0013563, OMIM 614080.

Allele frequency attached by ClinVar (database versions not stated): TOPMed below 0.00001.

Submission:

Labcorp Genetics (formerly Invitae), Labcorp
Classification: Likely pathogenic for Multiple congenital anomalies-hypotonia-seizures syndrome 1. Last evaluated: 2024-01-11. Review status: criteria provided, single submitter. Criteria: Invitae Variant Classification Sherloc (09022015). Collection method: clinical testing. Allele origin: germline.
Comment: This sequence change affects a donor splice site in intron 26 of the PIGN gene. It is expected to disrupt RNA splicing. Variants that disrupt the donor or acceptor splice site typically lead to a loss of protein function (PMID: 16199547), and loss-of-function variants in PIGN are known to be pathogenic (PMID: 24253414, 27038415). This variant is not present in population databases (gnomAD no frequency). This variant has not been reported in the literature in individuals affected with PIGN-related conditions. Algorithms developed to predict the effect of sequence changes on RNA splicing suggest that this variant may disrupt the consensus splice site. In summary, the currently available evidence indicates that the variant is pathogenic, but additional data are needed to prove that conclusively. Therefore, this variant has been classified as Likely Pathogenic.

Literature cited by the submitters: PubMed 16199547; PubMed 24253414; PubMed 27038415.

NM_176787.5(PIGN):c.2426+2T>G

Gene: PIGN (phosphatidylinositol glycan anchor biosynthesis class N; minus strand). Cytogenetic location: 18q21.33.
Variant type: single nucleotide variant.
Coding change: c.2426+2T>G on transcript NM_176787.5 (MANE Select); the canonical splice donor site of the intron after coding-DNA position 2426, T replaced by G.
Molecular consequence: splice donor variant.
Genome position (GRCh38, 1-based): chr18:62,085,207, A>C on the plus strand (T>G on the coding strand, the complement: PIGN is on the minus strand). VCF-style: chr18-62085207-A-C. GRCh37 (hg19) VCF-style: chr18-59752440-A-C.
Other names: c.2426+2T>G (NM_012327.6).
Identifiers: ClinVar variation 2705920 (VCV002705920.3), dbSNP rs769076600, ClinGen allele CA402601470.